The following is an entry in ClinVar:

ClinVar aggregate classification (germline): Pathogenic. Review status: criteria provided, multiple submitters, no conflicts (2 of 4 stars). 2 submissions from 2 submitters: Pathogenic (2). Last evaluated 2024-01-11.

Conditions:
Primary ciliary dyskinesia. Also called: Ciliary dyskinesia. Identifiers: Orphanet 244, MedGen C0008780, MONDO:0016575, HP:0012265.

Allele frequency attached by ClinVar (database versions not stated): TOPMed below 0.00001; gnomAD 0.00001; gnomAD exomes 0.00004.
gnomAD v4.1: 55 of 1,613,678 alleles (0.0034%); highest among the groups gnomAD compares: Non-Finnish European, 0.0047%; no homozygotes.

Submissions (2):

Labcorp Genetics (formerly Invitae), Labcorp
Classification: Pathogenic for Primary ciliary dyskinesia. Last evaluated: 2024-01-11. Review status: criteria provided, single submitter. Criteria: Invitae Variant Classification Sherloc (09022015). Collection method: clinical testing. Allele origin: germline.
Comment: This sequence change creates a premature translational stop signal (p.Gln2136*) in the DNAH11 gene. It is expected to result in an absent or disrupted protein product. Loss-of-function variants in DNAH11 are known to be pathogenic (PMID: 18022865, 20513915, 22184204). This variant is present in population databases (no rsID available, gnomAD 0.002%). This variant has not been reported in the literature in individuals affected with DNAH11-related conditions. ClinVar contains an entry for this variant (Variation ID: 1753354). For these reasons, this variant has been classified as Pathogenic.

Ambry Genetics
Classification: Pathogenic for Primary ciliary dyskinesia. Last evaluated: 2021-06-23. Review status: criteria provided, single submitter. Criteria: Ambry Variant Classification Scheme 2023. Collection method: clinical testing. Allele origin: germline.
Comment: The p.Q2136* pathogenic mutation (also known as c.6406C>T), located in coding exon 38 of the DNAH11 gene, results from a C to T substitution at nucleotide position 6406. This changes the amino acid from a glutamine to a stop codon within coding exon 38. This alteration is expected to result in loss of function by premature protein truncation or nonsense-mediated mRNA decay. As such, this alteration is interpreted as a disease-causing mutation.

Literature cited by the submitters: PubMed 18022865 (cited by Labcorp Genetics (formerly Invitae), Labcorp); PubMed 20513915 (cited by Labcorp Genetics (formerly Invitae), Labcorp); PubMed 22184204 (cited by Labcorp Genetics (formerly Invitae), Labcorp).

NM_001277115.2(DNAH11):c.6406C>T (p.Gln2136Ter)

Gene: DNAH11 (dynein axonemal heavy chain 11; plus strand). Cytogenetic location: 7p15.3.
Variant type: single nucleotide variant.
Coding change: c.6406C>T on transcript NM_001277115.2 (MANE Select); coding-DNA position 6406, C replaced by T.
Protein change: p.Gln2136Ter; replaces glutamine 2136 with a stop codon.
Molecular consequence: nonsense.
Genome position (GRCh38, 1-based): chr7:21,704,566, C>T. VCF-style: chr7-21704566-C-T. GRCh37 (hg19) VCF-style: chr7-21744184-C-T.
Other names: c.6427C>T, p.Gln2143Ter (NM_003777.3); short protein forms Q2143*, Q2136*.
Identifiers: ClinVar variation 1753354 (VCV001753354.6), dbSNP rs1261633400, ClinGen allele CA366937315.